The following is an entry in ClinVar:

NM_005744.5(ARIH1):c.1561A>G (p.Ile521Val)

Gene: ARIH1 (ariadne RBR E3 ubiquitin protein ligase 1; plus strand). Cytogenetic location: 15q24.1.
Variant type: single nucleotide variant.
Coding change: c.1561A>G on transcript NM_005744.5 (MANE Select); coding-DNA position 1561, A replaced by G.
Protein change: p.Ile521Val; replaces isoleucine 521 with valine.
Molecular consequence: missense variant.
Genome position (GRCh38, 1-based): chr15:72,582,159, A>G. VCF-style: chr15-72582159-A-G. GRCh37 (hg19) VCF-style: chr15-72874500-A-G.
Other names: short protein forms I521V.
Identifiers: ClinVar variation 2001577 (VCV002001577.4), dbSNP rs753167225, ClinGen allele CA7645776.

ClinVar aggregate classification (germline): Uncertain significance (1 of 4 stars; one submission).

Allele frequency attached by ClinVar (database versions not stated): gnomAD exomes below 0.00001; ExAC 0.00001.
gnomAD v4.1: 1 of 1,613,244 alleles (0.000062%); highest among the groups gnomAD compares: African/African-American, 0.0013%; no homozygotes.

Submission:

Labcorp Genetics (formerly Invitae), Labcorp
Classification: Uncertain significance. Last evaluated: 2022-06-01. Review status: criteria provided, single submitter. Criteria: Invitae Variant Classification Sherloc (09022015). Collection method: clinical testing. Allele origin: germline.
Comment: This variant is present in population databases (rs753167225, gnomAD 0.007%). In summary, the available evidence is currently insufficient to determine the role of this variant in disease. Therefore, it has been classified as a Variant of Uncertain Significance. Algorithms developed to predict the effect of missense changes on protein structure and function (SIFT, PolyPhen-2, Align-GVGD) all suggest that this variant is likely to be tolerated. This variant has not been reported in the literature in individuals affected with ARIH1-related conditions. This sequence change replaces isoleucine, which is neutral and non-polar, with valine, which is neutral and non-polar, at codon 521 of the ARIH1 protein (p.Ile521Val).